The following is an entry in ClinVar:

NM_001127392.3(MYRF):c.729G>T (p.Gln243His)

Gene: MYRF (myelin regulatory factor; plus strand). Cytogenetic location: 11q12.2.
Variant type: single nucleotide variant.
Coding change: c.729G>T on transcript NM_001127392.3 (MANE Select); coding-DNA position 729, G replaced by T.
Protein change: p.Gln243His; replaces glutamine 243 with histidine.
Molecular consequence: missense variant.
Genome position (GRCh38, 1-based): chr11:61,770,514, G>T. VCF-style: chr11-61770514-G-T. GRCh37 (hg19) VCF-style: chr11-61537986-G-T.
Other names: c.702G>T, p.Gln234His (NM_013279.4); short protein forms Q234H, Q243H.
Identifiers: ClinVar variation 3242168 (VCV003242168.1), dbSNP rs747961346.
Genomic context (GRCh38, chr11:61,770,514, plus strand): 5'-GGTGCCCACTGATCTTCACCACACCCAGCAGTCCCAGATGCTGCACCAGCTCCTGCAGCA[G>T]CACGGAGCTGAGTAAGACGTGGGTGGCTGGCTCCATGGGGTGGGAAGGTGGGGTACAGGG-3'
Protein context (NP_001120864.1, residues 233-253): QSQMLHQLLQ[Gln243His]HGAELPTHPS

ClinVar aggregate classification (germline): Uncertain significance (1 of 4 stars; one submission).

Conditions:
Cardiac-urogenital syndrome (CUGS). Also called: MYRF-Related Cardiac Urogenital Syndrome. Identifiers: Orphanet 647811, MedGen C4748946, MONDO:0032653, OMIM 618280.

Allele frequency attached by ClinVar (database versions not stated): gnomAD 0.00001; gnomAD exomes 0.00001; 1000 Genomes Project 30x 0.00016; ExAC 0.00017.
gnomAD v4.1: 13 of 1,562,902 alleles (0.00083%); highest among the groups gnomAD compares: South Asian, 0.015%; no homozygotes.

Submission:

Neuberg Centre For Genomic Medicine, NCGM
Classification: Uncertain significance for Cardiac-urogenital syndrome. Review status: criteria provided, single submitter. Criteria: ACMG Guidelines, 2015. Collection method: clinical testing. Allele origin: germline. Inheritance: Autosomal dominant inheritance. Affected: yes.
Comment: The observed missense c.729G>T(p.Gln243His) variant in MYRF gene has not been reported previously as a pathogenic variant nor as a benign variant, to our knowledge. This variant is present with an allele frequency of 0.002% in gnomAD Exomes database. This variant has not been submitted to the ClinVar database. The amino acid change p.Gln243His in MYRF is predicted as conserved by PhyloP across 100 vertebrates. The amino acid Gln at position 243 is changed to a His changing protein sequence and it might alter its composition and physico-chemical properties. Computational evidence (Polyphen - Benign, SIFT -Tolerated and MutationTaster - disease causing) predicts conflicting evidence on protein structure and function for this variant. For these reasons, this variant has been classified as Variant of Uncertain Significance (VUS).